The following is an entry in ClinVar:

NM_001329943.3(KIAA0586):c.3247C>T (p.Pro1083Ser)

Gene: KIAA0586 (KIAA0586; plus strand). Cytogenetic location: 14q23.1.
Variant type: single nucleotide variant.
Coding change: c.3247C>T on transcript NM_001329943.3 (MANE Select); coding-DNA position 3247, C replaced by T.
Protein change: p.Pro1083Ser; replaces proline 1083 with serine.
Molecular consequence: missense variant.
Genome position (GRCh38, 1-based): chr14:58,487,109, C>T. VCF-style: chr14-58487109-C-T. GRCh37 (hg19) VCF-style: chr14-58953827-C-T.
Other names: c.3406C>T, p.Pro1136Ser (NM_001244189.2); c.3202C>T, p.Pro1068Ser (NM_001244190.2); c.2992C>T, p.Pro998Ser (NM_001244191.2, NM_001329945.2, NM_001364700.1 and 1 more transcripts); c.3115C>T, p.Pro1039Ser (NM_001244192.2); c.2827C>T, p.Pro943Ser (NM_001244193.2); c.3247C>T, p.Pro1083Ser (NM_001329944.2, NM_001329946.2, NM_001329947.2); c.3019C>T, p.Pro1007Ser (NM_014749.5); short protein forms P1039S, P1083S, P1068S, P1007S, P943S, P998S, P1136S.
Identifiers: ClinVar variation 1503477 (VCV001503477.5), dbSNP rs373431045, ClinGen allele CA7206102.

ClinVar aggregate classification (germline): Uncertain significance (1 of 4 stars; one submission).

Conditions:
Joubert syndrome 23 (JBTS23). Identifiers: Orphanet 475, MedGen C4084822, MONDO:0014664, OMIM 616490.
Short-rib thoracic dysplasia 14 with polydactyly (SRTD14). Identifiers: Orphanet 397715, MedGen C4225286, MONDO:0014688, OMIM 616546.

Allele frequency attached by ClinVar (database versions not stated): gnomAD exomes 0.00001; ESP Exome Variant Server 0.00008; ExAC 0.00002; TOPMed 0.00002.
gnomAD v4.1: 8 of 1,613,696 alleles (0.0005%); highest among the groups gnomAD compares: Admixed American, 0.0017%; no homozygotes.

Submission:

Labcorp Genetics (formerly Invitae), Labcorp
Classification: Uncertain significance for Joubert syndrome 23; Short-rib thoracic dysplasia 14 with polydactyly. Last evaluated: 2022-09-07. Review status: criteria provided, single submitter. Criteria: Invitae Variant Classification Sherloc (09022015). Collection method: clinical testing. Allele origin: germline.
Comment: This sequence change replaces proline, which is neutral and non-polar, with serine, which is neutral and polar, at codon 1136 of the KIAA0586 protein (p.Pro1136Ser). This variant is present in population databases (rs373431045, gnomAD 0.003%). This variant has not been reported in the literature in individuals affected with KIAA0586-related conditions. ClinVar contains an entry for this variant (Variation ID: 1503477). Algorithms developed to predict the effect of missense changes on protein structure and function are either unavailable or do not agree on the potential impact of this missense change (SIFT: "Deleterious"; PolyPhen-2: "Probably Damaging"; Align-GVGD: "Class C0"). In summary, the available evidence is currently insufficient to determine the role of this variant in disease. Therefore, it has been classified as a Variant of Uncertain Significance.